The following is an entry in ClinVar:

ClinVar aggregate classification (germline): Likely benign. Review status: criteria provided, multiple submitters, no conflicts (2 of 4 stars). 2 submissions from 2 submitters: Likely benign (2). Last evaluated 2026-09-01.

Allele frequency attached by ClinVar (database versions not stated): 1000 Genomes Project 30x 0.00156; 1000 Genomes Project 0.00200; gnomAD 0.00317; TOPMed 0.00324; gnomAD exomes 0.00471; ExAC 0.00483.
gnomAD v4.1: 7,013 of 1,535,700 alleles (0.46%); highest among the groups gnomAD compares: Middle Eastern, 1.2%; 34 homozygotes.

Submissions (2):

CeGaT Center for Human Genetics Tuebingen
Classification: Likely benign. Last evaluated: 2026-09-01. Review status: criteria provided, single submitter. Criteria: CeGaT Center For Human Genetics Tuebingen Variant Classification Criteria Version 2. Collection method: clinical testing. Allele origin: germline. Affected: yes. Observed: 5 variant alleles.
Comment: PIP5K1C: BP4, BP7, BS2

Blueprint Genetics
Classification: Likely benign. Last evaluated: 2024-11-28. Review status: criteria provided, single submitter. Criteria: ACMG Guidelines, 2015. Collection method: clinical testing. Allele origin: germline.

NM_012398.3(PIP5K1C):c.1920+1426G>A

Gene: PIP5K1C (phosphatidylinositol-4-phosphate 5-kinase type 1 gamma; minus strand). Cytogenetic location: 19p13.3.
Variant type: single nucleotide variant.
Coding change: c.1920+1426G>A on transcript NM_012398.3 (MANE Select); 1426 bases into the intron after coding-DNA position 1920, G replaced by A.
Molecular consequence: intron variant. On other transcripts: synonymous variant (1).
Genome position (GRCh38, 1-based): chr19:3,637,458, C>T on the plus strand (G>A on the coding strand, the complement: PIP5K1C is on the minus strand). VCF-style: chr19-3637458-C-T. GRCh37 (hg19) VCF-style: chr19-3637456-C-T.
Other names: c.2076G>A, p.Pro692= (NM_001300849.2); c.1920+1426G>A (NM_001195733.2).
Identifiers: ClinVar variation 2649003 (VCV002649003.25), dbSNP rs150414663, ClinGen allele CA9081952.
Genomic context (GRCh38, chr19:3,637,458, plus strand): 5'-TGCAGCCGTGATTTACCCAAAGCCCTTCTGGAAAACAACTGACGTCAGACACTGAGCTTC[C>T]GGCCGGGGACCTGCGGCTCCCTGCTGCCCGAGGGGCACTGCCCCTTCTCCCCAGGGTGGC-3'